The following is an entry in ClinVar:

NM_001160372.4(TRAPPC9):c.2292C>T (p.Gly764=)

Gene: TRAPPC9 (trafficking protein particle complex subunit 9; minus strand). Cytogenetic location: 8q24.3.
Variant type: single nucleotide variant.
Coding change: c.2292C>T on transcript NM_001160372.4 (MANE Select); coding-DNA position 2292, C replaced by T.
Protein change: p.Gly764=; no amino-acid change (glycine 764 retained).
Molecular consequence: synonymous variant. On other transcripts: non-coding transcript variant (1).
Genome position (GRCh38, 1-based): chr8:140,252,916, G>A on the plus strand (C>T on the coding strand, the complement: TRAPPC9 is on the minus strand). VCF-style: chr8-140252916-G-A. GRCh37 (hg19) VCF-style: chr8-141263015-G-A.
Other names: p.Gly862=; c.2265C>T, p.Gly755= (NM_001321646.2); c.2313C>T, p.Gly771= (NM_001374682.1); c.2292C>T, p.Gly764= (NM_001374683.1, NM_031466.8); c.2148C>T, p.Gly716= (NM_001374684.1); c.2586C>T (NM_031466.7).
Identifiers: ClinVar variation 130625 (VCV000130625.29), dbSNP rs11166965, ClinGen allele CA155770.

ClinVar aggregate classification (germline): Benign. Review status: criteria provided, multiple submitters, no conflicts (2 of 4 stars). 7 submissions from 7 submitters: Benign (6). 1 of the submissions does not count toward it. Last evaluated 2026-02-03.

Conditions:
Inborn genetic diseases. Identifiers: MedGen C0950123, MeSH D030342.

Allele frequency attached by ClinVar (database versions not stated): 1000 Genomes Project 0.07129; gnomAD 0.10684 and 0.10598; ExAC 0.12368; gnomAD exomes 0.12472 and 0.12780; 1000 Genomes Project 30x 0.07292; ESP Exome Variant Server 0.09972; TOPMed 0.10160.
gnomAD v4.1: 197,432 of 1,613,104 alleles (12%); highest among the groups gnomAD compares: Admixed American, 22%; 13,622 homozygotes.

Submissions (26):

Labcorp Genetics (formerly Invitae), Labcorp
Classification: Benign. Last evaluated: 2026-02-03. Review status: criteria provided, single submitter. Criteria: Invitae Variant Classification Sherloc (09022015). Collection method: clinical testing. Allele origin: germline.

Mayo Clinic Laboratories, Mayo Clinic
Classification: Benign. Last evaluated: 2022-04-14. Review status: criteria provided, single submitter. Criteria: ACMG Guidelines, 2015. Collection method: clinical testing. Allele origin: germline. Observed: 11 variant alleles.

GeneDx
Classification: Benign. Last evaluated: 2018-07-09. Review status: criteria provided, single submitter. Criteria: GeneDx Variant Classification Process June 2021. Collection method: clinical testing. Allele origin: germline. Affected: yes.

Ambry Genetics
Classification: Benign for Inborn genetic diseases. Last evaluated: 2016-03-11. Review status: criteria provided, single submitter. Criteria: Ambry Variant Classification Scheme 2023. Collection method: clinical testing. Allele origin: germline.

Breakthrough Genomics
Classification: Benign. Review status: criteria provided, single submitter. Criteria: ACMG Guidelines, 2015. Collection method: not provided. Allele origin: germline. Inheritance: Autosomal recessive inheritance. Affected: yes.

PreventionGenetics, part of Exact Sciences
Classification: Benign. Review status: criteria provided, single submitter. Criteria: ACMG Guidelines, 2015. Collection method: clinical testing. Allele origin: germline.

Dr. Peter K. Rogan Lab, Western University
No classification provided (evidence only). Condition: Colorectal cancer. Review status: no classification provided. Collection method: in vitro. Allele origin: not applicable. Functional consequence: skipped exon. Not counted in ClinVar's aggregate classification.

Dr. Peter K. Rogan Lab, Western University
No classification provided (evidence only). Condition: Colorectal cancer. Review status: no classification provided. Collection method: in vitro. Allele origin: not applicable. Functional consequence: skipped exon. Not counted in ClinVar's aggregate classification.

Dr. Peter K. Rogan Lab, Western University
No classification provided (evidence only). Condition: Malignant lymphoma, large B-cell, diffuse. Review status: no classification provided. Collection method: in vitro. Allele origin: not applicable. Functional consequence: skipped exon. Not counted in ClinVar's aggregate classification.

Dr. Peter K. Rogan Lab, Western University
No classification provided (evidence only). Condition: Malignant lymphoma, large B-cell, diffuse. Review status: no classification provided. Collection method: in vitro. Allele origin: not applicable. Functional consequence: retained intron. Not counted in ClinVar's aggregate classification.

Dr. Peter K. Rogan Lab, Western University
No classification provided (evidence only). Condition: Thymoma. Review status: no classification provided. Collection method: in vitro. Allele origin: not applicable. Functional consequence: retained intron. Not counted in ClinVar's aggregate classification.

Dr. Peter K. Rogan Lab, Western University
No classification provided (evidence only). Condition: Thymoma. Review status: no classification provided. Collection method: in vitro. Allele origin: not applicable. Functional consequence: retained intron. Not counted in ClinVar's aggregate classification.

Dr. Peter K. Rogan Lab, Western University
No classification provided (evidence only). Condition: Thymoma. Review status: no classification provided. Collection method: in vitro. Allele origin: not applicable. Functional consequence: retained intron. Not counted in ClinVar's aggregate classification.

Dr. Peter K. Rogan Lab, Western University
No classification provided (evidence only). Condition: Thymoma. Review status: no classification provided. Collection method: in vitro. Allele origin: not applicable. Functional consequence: retained intron. Not counted in ClinVar's aggregate classification.

Dr. Peter K. Rogan Lab, Western University
No classification provided (evidence only). Condition: Cholangiocarcinoma. Review status: no classification provided. Collection method: in vitro. Allele origin: not applicable. Functional consequence: retained intron. Not counted in ClinVar's aggregate classification.

Dr. Peter K. Rogan Lab, Western University
No classification provided (evidence only). Condition: Cholangiocarcinoma. Review status: no classification provided. Collection method: in vitro. Allele origin: not applicable. Functional consequence: retained intron. Not counted in ClinVar's aggregate classification.

Dr. Peter K. Rogan Lab, Western University
No classification provided (evidence only). Condition: Adrenocortical carcinoma, hereditary. Review status: no classification provided. Collection method: in vitro. Allele origin: not applicable. Functional consequence: skipped exon. Not counted in ClinVar's aggregate classification.

Dr. Peter K. Rogan Lab, Western University
No classification provided (evidence only). Condition: Uterine carcinosarcoma. Review status: no classification provided. Collection method: in vitro. Allele origin: not applicable. Functional consequence: retained intron. Not counted in ClinVar's aggregate classification.

Dr. Peter K. Rogan Lab, Western University
No classification provided (evidence only). Condition: Uterine carcinosarcoma. Review status: no classification provided. Collection method: in vitro. Allele origin: not applicable. Functional consequence: retained intron. Not counted in ClinVar's aggregate classification.

Dr. Peter K. Rogan Lab, Western University
No classification provided (evidence only). Condition: Uterine carcinosarcoma. Review status: no classification provided. Collection method: in vitro. Allele origin: not applicable. Functional consequence: retained intron. Not counted in ClinVar's aggregate classification.

Dr. Peter K. Rogan Lab, Western University
No classification provided (evidence only). Condition: Uterine carcinosarcoma. Review status: no classification provided. Collection method: in vitro. Allele origin: not applicable. Functional consequence: retained intron. Not counted in ClinVar's aggregate classification.

Dr. Peter K. Rogan Lab, Western University
No classification provided (evidence only). Condition: Uveal melanoma. Review status: no classification provided. Collection method: in vitro. Allele origin: not applicable. Functional consequence: skipped exon. Not counted in ClinVar's aggregate classification.

Dr. Peter K. Rogan Lab, Western University
No classification provided (evidence only). Condition: Uveal melanoma. Review status: no classification provided. Collection method: in vitro. Allele origin: not applicable. Functional consequence: skipped exon. Not counted in ClinVar's aggregate classification.

Dr. Peter K. Rogan Lab, Western University
No classification provided (evidence only). Condition: Uveal melanoma. Review status: no classification provided. Collection method: in vitro. Allele origin: not applicable. Functional consequence: retained intron. Not counted in ClinVar's aggregate classification.

Dr. Peter K. Rogan Lab, Western University
No classification provided (evidence only). Condition: Uveal melanoma. Review status: no classification provided. Collection method: in vitro. Allele origin: not applicable. Functional consequence: skipped exon. Not counted in ClinVar's aggregate classification.

Genetic Services Laboratory, University of Chicago
Classification: Likely benign for AllHighlyPenetrant. Review status: no assertion criteria provided. Collection method: clinical testing. Allele origin: germline. Inheritance: Autosomal recessive inheritance. Not counted in ClinVar's aggregate classification.
Comment: Likely benign based on allele frequency in 1000 Genomes Project or ESP global frequency and its presence in a patient with a rare or unrelated disease phenotype. NOT Sanger confirmed.